The following is an entry in ClinVar:

ClinVar aggregate classification (germline): Uncertain significance (1 of 4 stars; one submission).

Submission:

GeneDx
Classification: Uncertain significance. Last evaluated: 2022-10-04. Review status: criteria provided, single submitter. Criteria: GeneDx Variant Classification Process June 2021. Collection method: clinical testing. Allele origin: germline. Affected: yes.
Comment: In-frame deletion of 13 amino acids and insertion of 3 amino acids in a non-repeat region; Not observed at significant frequency in large population cohorts (gnomAD); Has not been previously published as pathogenic or benign to our knowledge

NM_005461.5(MAFB):c.581_618delinsGGGGAGAA (p.Ala194_Ser206delinsGlyGlyGlu)

Gene: MAFB (MAF bZIP transcription factor B; minus strand). Cytogenetic location: 20q12.
Variant type: Indel.
Coding change: c.581_618delinsGGGGAGAA on transcript NM_005461.5 (MANE Select); coding-DNA positions 581 to 618, the reference bases replaced by GGGGAGAA.
Protein change: p.Ala194_Ser206delinsGlyGlyGlu.
Molecular consequence: inframe indel.
Genome position (GRCh38, 1-based): chr20:40,688,233-40,688,270, 38 bases replaced. GRCh37 (hg19): chr20:39,316,873-39,316,910.
Identifiers: ClinVar variation 2498000 (VCV002498000.1), dbSNP rs2515462812, ClinGen allele CA2580098345.
Genomic context (GRCh38, chr20:40,688,233, plus strand): 5'-GCGGTTCAGCTCGCGCACGGACATGGACACGAGCTGGTCGTCGGAGAAGCGGTCCTCCAC[GCTGCCGTTGCCGCCCGCCGCCGTCGCCGAGGCCGTCG>TTCTCCCC]CGTGCGGCCCGGGCCCGGGGTGGCTAGTGGGCAGCTGTTGCGCCGGGCTAGCGGCGCTGG-3'